The following is an entry in ClinVar:

NM_001144967.3(NEDD4L):c.961T>G (p.Ser321Ala)

Gene: NEDD4L (NEDD4 like E3 ubiquitin protein ligase; plus strand). Cytogenetic location: 18q21.31.
Variant type: single nucleotide variant.
Coding change: c.961T>G on transcript NM_001144967.3 (MANE Select); coding-DNA position 961, T replaced by G.
Protein change: p.Ser321Ala; replaces serine 321 with alanine.
Molecular consequence: missense variant.
Genome position (GRCh38, 1-based): chr18:58,330,885, T>G. VCF-style: chr18-58330885-T-G. GRCh37 (hg19) VCF-style: chr18-55998117-T-G.
Other names: c.598T>G, p.Ser200Ala (NM_001144964.1, NM_001144965.2, NM_001144966.3 and 2 more transcripts); c.937T>G, p.Ser313Ala (NM_001144968.2, NM_001144969.2); c.961T>G, p.Ser321Ala (NM_001243960.2, NM_015277.6); short protein forms S200A, S313A, S321A.
Identifiers: ClinVar variation 2965091 (VCV002965091.4), dbSNP rs376389246, ClinGen allele CA8975518.

ClinVar aggregate classification (germline): Uncertain significance. Review status: criteria provided, multiple submitters, no conflicts (2 of 4 stars). 2 submissions from 2 submitters: Uncertain significance (2). Last evaluated 2025-05-18.

Allele frequency attached by ClinVar (database versions not stated): TOPMed 0.00004; gnomAD exomes below 0.00001; ExAC 0.00002; gnomAD 0.00003; ESP Exome Variant Server 0.00008.
gnomAD v4.1: 9 of 1,613,796 alleles (0.00056%); highest among the groups gnomAD compares: African/African-American, 0.012%; no homozygotes.

Submissions (2):

Labcorp Genetics (formerly Invitae), Labcorp
Classification: Uncertain significance. Last evaluated: 2025-05-18. Review status: criteria provided, single submitter. Criteria: Invitae Variant Classification Sherloc (09022015). Collection method: clinical testing. Allele origin: germline.
Comment: This sequence change replaces serine, which is neutral and polar, with alanine, which is neutral and non-polar, at codon 321 of the NEDD4L protein (p.Ser321Ala). This variant is present in population databases (rs376389246, gnomAD 0.008%). This variant has not been reported in the literature in individuals affected with NEDD4L-related conditions. ClinVar contains an entry for this variant (Variation ID: 2965091). Invitae Evidence Modeling of protein sequence and biophysical properties (such as structural, functional, and spatial information, amino acid conservation, physicochemical variation, residue mobility, and thermodynamic stability) indicates that this missense variant is not expected to disrupt NEDD4L protein function with a negative predictive value of 80%. In summary, the available evidence is currently insufficient to determine the role of this variant in disease. Therefore, it has been classified as a Variant of Uncertain Significance.

Women's Health and Genetics/Laboratory Corporation of America, LabCorp
Classification: Uncertain significance. Last evaluated: 2025-03-11. Review status: criteria provided, single submitter. Criteria: LabCorp Variant Classification Summary - May 2015. Collection method: clinical testing. Allele origin: germline.
Comment: Variant summary: NEDD4L c.961T>G (p.Ser321Ala) results in a conservative amino acid change in the encoded protein sequence. Four of five in-silico tools predict a benign effect of the variant on protein function. The variant allele was found at a frequency of 8e-06 in 249252 control chromosomes (gnomAD). The available data on variant occurrences in the general population are insufficient to allow any conclusion about variant significance. To our knowledge, no occurrence of c.961T>G in individuals affected with Periventricular Nodular Heterotopia 7 and no experimental evidence demonstrating its impact on protein function have been reported. ClinVar contains an entry for this variant (Variation ID: 2965091). Based on the evidence outlined above, the variant was classified as uncertain significance.